The following is an entry in ClinVar:

NM_152383.5(DIS3L2):c.2620del (p.Glu874fs)

Gene: DIS3L2 (DIS3 like 3'-5' exoribonuclease 2; plus strand). Cytogenetic location: 2q37.1.
Variant type: Deletion.
Coding change: c.2620del on transcript NM_152383.5 (MANE Select); coding-DNA position 2620, one base deleted (G; older notation c.2620delG).
Protein change: p.Glu874fs; shifts the reading frame from glutamic acid 874.
Molecular consequence: frameshift variant. On other transcripts: non-coding transcript variant (2), intron variant (1).
Genome position (GRCh38, 1-based): chr2:232,336,592, G deleted; the last of 2 consecutive G bases (chr2:232,336,591-232,336,592); deleting either gives the same sequence. VCF-style (leftmost placement, unchanged base first): chr2-232336590-AG-A. GRCh37 (hg19) VCF-style: chr2-233201300-AG-A.
Other names: c.1582-6753del (NM_001257281.2); short protein forms E874fs.
Identifiers: ClinVar variation 851438 (VCV000851438.9), dbSNP rs746713009, ClinGen allele CA916081403.

ClinVar aggregate classification (germline): Uncertain significance (1 of 4 stars; one submission).

Conditions:
Perlman syndrome (PRLMNS). Identifiers: Orphanet 2849, MedGen C0796113, MONDO:0009965, OMIM 267000.

Submission:

Labcorp Genetics (formerly Invitae), Labcorp
Classification: Uncertain significance for Perlman syndrome. Last evaluated: 2023-11-25. Review status: criteria provided, single submitter. Criteria: Invitae Variant Classification Sherloc (09022015). Collection method: clinical testing. Allele origin: germline.
Comment: This sequence change creates a premature translational stop signal (p.Glu874Serfs*42) in the DIS3L2 gene. While this is not anticipated to result in nonsense mediated decay, it is expected to disrupt the last 12 amino acid(s) of the DIS3L2 protein. This variant is not present in population databases (gnomAD no frequency). This variant has not been reported in the literature in individuals affected with DIS3L2-related conditions. ClinVar contains an entry for this variant (Variation ID: 851438). Experimental studies and prediction algorithms are not available or were not evaluated, and the functional significance of this variant is currently unknown. In summary, the available evidence is currently insufficient to determine the role of this variant in disease. Therefore, it has been classified as a Variant of Uncertain Significance.